The following is an entry in ClinVar:

NM_001283009.2(RTEL1):c.3023T>G (p.Val1008Gly)

Genes: RTEL1 (regulator of telomere elongation helicase 1; plus strand), RTEL1-TNFRSF6B (RTEL1-TNFRSF6B readthrough (NMD candidate); plus strand). Cytogenetic location: 20q13.33.
Variant type: single nucleotide variant.
Coding change: c.3023T>G on transcript NM_001283009.2 (MANE Select); coding-DNA position 3023, T replaced by G.
Protein change: p.Val1008Gly; replaces valine 1008 with glycine.
Molecular consequence: missense variant. On other transcripts: non-coding transcript variant (1).
Genome position (GRCh38, 1-based): chr20:63,694,402, T>G. VCF-style: chr20-63694402-T-G. GRCh37 (hg19) VCF-style: chr20-62325755-T-G.
Other names: c.2354T>G, p.Val785Gly (NM_001283010.1); c.3023T>G, p.Val1008Gly (NM_016434.4); c.3095T>G, p.Val1032Gly (NM_032957.5); short protein forms V1008G, V785G, V1032G.
Identifiers: ClinVar variation 3587615 (VCV003587615.2).

ClinVar aggregate classification (germline): Uncertain significance. Review status: criteria provided, multiple submitters, no conflicts (2 of 4 stars). 2 submissions from 2 submitters: Uncertain significance (2). Last evaluated 2025-05-27.

Conditions:
Inborn genetic diseases. Identifiers: MedGen C0950123, MeSH D030342.
Dyskeratosis congenita, autosomal recessive 5 (DKCB5). Identifiers: MedGen C3554656, MONDO:0014076, OMIM 615190.
Pulmonary fibrosis and/or bone marrow failure, Telomere-related, 3. Also called: PULMONARY FIBROSIS AND/OR BONE MARROW FAILURE SYNDROME, TELOMERE-RELATED, 3. Identifiers: Orphanet 2032, MedGen C4225346, MONDO:0014613, OMIM 616373.

gnomAD v4.1: 1 of 1,611,448 alleles (0.000062%); highest among the groups gnomAD compares: Non-Finnish European, 0.000085%; no homozygotes.

Submissions (2):

Ambry Genetics
Classification: Uncertain significance for Inborn genetic diseases. Last evaluated: 2025-05-27. Review status: criteria provided, single submitter. Criteria: Ambry Variant Classification Scheme 2023. Collection method: clinical testing. Allele origin: germline.
Comment: The p.V1008G variant (also known as c.3023T>G), located in coding exon 30 of the RTEL1 gene, results from a T to G substitution at nucleotide position 3023. The valine at codon 1008 is replaced by glycine, an amino acid with dissimilar properties. This amino acid position is conserved. In addition, this alteration is predicted to be tolerated by in silico analysis. Based on the available evidence, the clinical significance of this variant remains unclear.

Fulgent Genetics
Classification: Uncertain significance for Dyskeratosis congenita, autosomal recessive 5; Pulmonary fibrosis and/or bone marrow failure, Telomere-related, 3. Last evaluated: 2024-04-24. Review status: criteria provided, single submitter. Criteria: ACMG Guidelines, 2015. Collection method: clinical testing. Allele origin: germline.